The following is an entry in ClinVar:

NM_012335.4(MYO1F):c.1446G>A (p.Lys482=)

Gene: MYO1F (myosin IF; minus strand). Cytogenetic location: 19p13.2.
Variant type: single nucleotide variant.
Coding change: c.1446G>A on transcript NM_012335.4 (MANE Select); coding-DNA position 1446, G replaced by A.
Protein change: p.Lys482=; no amino-acid change (lysine 482 retained).
Molecular consequence: synonymous variant.
Genome position (GRCh38, 1-based): chr19:8,544,375, C>T on the plus strand (G>A on the coding strand, the complement: MYO1F is on the minus strand). VCF-style: chr19-8544375-C-T. GRCh37 (hg19) VCF-style: chr19-8609259-C-T.
Other names: c.1434G>A, p.Lys478= (NM_001348355.2).
Identifiers: ClinVar variation 678701 (VCV000678701.2), dbSNP rs61744125, ClinGen allele CA9159279.

ClinVar aggregate classification (germline): Benign. Review status: criteria provided, multiple submitters, no conflicts (2 of 4 stars). 2 submissions from 2 submitters: Benign (2). Last evaluated 2018-05-24.

Allele frequency attached by ClinVar (database versions not stated): gnomAD exomes 0.00190; ExAC 0.00252; ESP Exome Variant Server 0.00867; gnomAD 0.00887 and 0.00942; TOPMed 0.00903; 1000 Genomes Project 0.01218; 1000 Genomes Project 30x 0.01468.
gnomAD v4.1: 2,614 of 1,613,188 alleles (0.16%); highest among the groups gnomAD compares: African/African-American, 3.3%; 51 homozygotes.

Submissions (2):

GeneDx
Classification: Benign. Last evaluated: 2018-05-24. Review status: criteria provided, single submitter. Criteria: GeneDx Variant Classification (06012015). Collection method: clinical testing. Allele origin: germline. Affected: yes.
Comment: This variant is considered likely benign or benign based on one or more of the following criteria: it is a conservative change, it occurs at a poorly conserved position in the protein, it is predicted to be benign by multiple in silico algorithms, and/or has population frequency not consistent with disease.

Breakthrough Genomics
Classification: Benign. Review status: criteria provided, single submitter. Criteria: ACMG Guidelines, 2015. Collection method: not provided. Allele origin: germline. Inheritance: Unknown mechanism. Affected: yes.